The following is an entry in ClinVar:

ClinVar aggregate classification (germline): Likely benign. Review status: criteria provided, multiple submitters, no conflicts (2 of 4 stars). 2 submissions from 2 submitters: Likely benign (2). Last evaluated 2025-09-10.

Conditions:
Oligodontia-cancer predisposition syndrome. Also called: TOOTH AGENESIS-COLORECTAL CANCER SYNDROME. Identifiers: Orphanet 300576, MedGen C1837750, MONDO:0012075, OMIM 608615. Disease mechanism: loss of function.

Allele frequency attached by ClinVar (database versions not stated): gnomAD exomes below 0.00001.
gnomAD v4.1: 1 of 1,599,632 alleles (0.000063%); highest among the groups gnomAD compares: Non-Finnish European, 0.000085%; no homozygotes.

Submissions (2):

Labcorp Genetics (formerly Invitae), Labcorp
Classification: Likely benign for Oligodontia-cancer predisposition syndrome. Last evaluated: 2025-09-10. Review status: criteria provided, single submitter. Criteria: Invitae Variant Classification Sherloc (09022015). Collection method: clinical testing. Allele origin: germline.

Myriad Genetics, Inc.
Classification: Likely benign for Oligodontia-cancer predisposition syndrome. Last evaluated: 2024-07-08. Review status: criteria provided, single submitter. Criteria: Myriad Autosomal Dominant, Autosomal Recessive and X-Linked Classification Criteria (2023). Collection method: clinical testing. Allele origin: unknown.
Comment: This variant is considered likely benign. This variant is intronic and is not expected to impact mRNA splicing.

NM_004655.4(AXIN2):c.1713-12G>C

Gene: AXIN2 (axin 2; minus strand). Cytogenetic location: 17q24.1.
Variant type: single nucleotide variant.
Coding change: c.1713-12G>C on transcript NM_004655.4 (MANE Select); 12 bases into the intron before coding-DNA position 1713, G replaced by C.
Molecular consequence: intron variant.
Genome position (GRCh38, 1-based): chr17:65,537,075, C>G on the plus strand (G>C on the coding strand, the complement: AXIN2 is on the minus strand). VCF-style: chr17-65537075-C-G. GRCh37 (hg19) VCF-style: chr17-63533193-C-G.
Other names: c.1712+249G>C (NM_001363813.1).
Identifiers: ClinVar variation 1566151 (VCV001566151.9), dbSNP rs1247563219, ClinGen allele CA627152092.